The following is an entry in ClinVar:

ClinVar aggregate classification (germline): Pathogenic (1 of 4 stars; one submission).

Conditions:
Glycogen storage disease, type II (IOPD). Also called: CARDIOMEGALIA GLYCOGENICA DIFFUSA; GLYCOGENOSIS, GENERALIZED, CARDIAC FORM; GSD II; Glycogen storage disease type 2; Acid maltase deficiency disease; Aglucosidase alfa. Identifiers: Orphanet 365, MedGen C0017921, MONDO:0009290, OMIM 232300.

Submission:

Myriad Genetics, Inc.
Classification: Pathogenic for Glycogen storage disease, type II. Last evaluated: 2023-09-27. Review status: criteria provided, single submitter. Criteria: Myriad Autosomal Dominant, Autosomal Recessive and X-Linked Classification Criteria (2023). Collection method: clinical testing. Allele origin: unknown.
Comment: NM_000152.3(GAA):c.1291dupC(L431Pfs*75) is expected to be pathogenic in the context of Pompe disease. This variant is predicted to lead to an abnormal or absent protein product due to the creation of a premature termination codon in GAA, a gene where loss-of-function variants are known to be pathogenic. Please note: this variant was assessed in the context of healthy population screening.

NM_000152.5(GAA):c.1291dup (p.Leu431fs)

Gene: GAA (alpha glucosidase; plus strand). Cytogenetic location: 17q25.3.
Variant type: Duplication.
Coding change: c.1291dup on transcript NM_000152.5 (MANE Select); coding-DNA position 1291, one base duplicated (C; older notation c.1291dupC).
Protein change: p.Leu431fs; shifts the reading frame from leucine 431.
Molecular consequence: frameshift variant.
Genome position (GRCh38, 1-based): chr17:80,108,793, C duplicated. VCF-style (leftmost placement, unchanged base first): chr17-80108792-G-GC. GRCh37 (hg19) VCF-style: chr17-78082591-G-GC.
Other names: c.1291dup, p.Leu431fs (NM_001079803.3, NM_001079804.3, NM_001406741.1 and 1 more transcripts); short protein forms L431fs.
Identifiers: ClinVar variation 5012142 (VCV005012142.1).